The following is an entry in ClinVar:

NM_030928.4(CDT1):c.926A>G (p.His309Arg)

Gene: CDT1 (chromatin licensing and DNA replication factor 1; plus strand). Cytogenetic location: 16q24.3.
Variant type: single nucleotide variant.
Coding change: c.926A>G on transcript NM_030928.4 (MANE Select); coding-DNA position 926, A replaced by G.
Protein change: p.His309Arg; replaces histidine 309 with arginine.
Molecular consequence: missense variant.
Genome position (GRCh38, 1-based): chr16:88,806,114, A>G. VCF-style: chr16-88806114-A-G. GRCh37 (hg19) VCF-style: chr16-88872522-A-G.
Other names: c.926A>G (NM_030928.3); short protein forms H309R.
Identifiers: ClinVar variation 1432813 (VCV001432813.6), dbSNP rs774767743, ClinGen allele CA8233896.

ClinVar aggregate classification (germline): Uncertain significance. Review status: criteria provided, multiple submitters, no conflicts (2 of 4 stars). 2 submissions from 2 submitters: Uncertain significance (2). Last evaluated 2023-12-22.

Conditions:
Inborn genetic diseases. Identifiers: MedGen C0950123, MeSH D030342.

Allele frequency attached by ClinVar (database versions not stated): gnomAD exomes below 0.00001; ExAC 0.00001; gnomAD 0.00003; TOPMed 0.00006.
gnomAD v4.1: 7 of 1,597,900 alleles (0.00044%); highest among the groups gnomAD compares: Admixed American, 0.0084%; no homozygotes.

Submissions (2):

Ambry Genetics
Classification: Uncertain significance for Inborn genetic diseases. Last evaluated: 2023-12-22. Review status: criteria provided, single submitter. Criteria: Ambry Variant Classification Scheme 2023. Collection method: clinical testing. Allele origin: germline.

Labcorp Genetics (formerly Invitae), Labcorp
Classification: Uncertain significance. Last evaluated: 2021-09-01. Review status: criteria provided, single submitter. Criteria: Invitae Variant Classification Sherloc (09022015). Collection method: clinical testing. Allele origin: germline.
Comment: This sequence change replaces histidine with arginine at codon 309 of the CDT1 protein (p.His309Arg). The histidine residue is moderately conserved and there is a small physicochemical difference between histidine and arginine. This variant is present in population databases (rs774767743, ExAC 0.01%). This variant has not been reported in the literature in individuals affected with CDT1-related conditions. Algorithms developed to predict the effect of missense changes on protein structure and function are either unavailable or do not agree on the potential impact of this missense change (SIFT: "Tolerated"; PolyPhen-2: "Probably Damaging"; Align-GVGD: "Class C0"). In summary, the available evidence is currently insufficient to determine the role of this variant in disease. Therefore, it has been classified as a Variant of Uncertain Significance.